The following is an entry in ClinVar:

NM_020975.6(RET):c.196T>A (p.Phe66Ile)

Gene: RET (ret proto-oncogene; plus strand). Cytogenetic location: 10q11.21.
Variant type: single nucleotide variant.
Coding change: c.196T>A on transcript NM_020975.6 (MANE Select); coding-DNA position 196, T replaced by A.
Protein change: p.Phe66Ile; replaces phenylalanine 66 with isoleucine.
Molecular consequence: missense variant. On other transcripts: intron variant (4).
Genome position (GRCh38, 1-based): chr10:43,100,581, T>A. VCF-style: chr10-43100581-T-A. GRCh37 (hg19) VCF-style: chr10-43596029-T-A.
Other names: c.196T>A, p.Phe66Ile (NM_001406743.1, NM_001406744.1, NM_001406759.1 and 32 more transcripts); c.74-8450T>A (NM_001406784.1); c.74-11518T>A (NM_001406794.1, NM_001406792.1, NM_001406793.1); short protein forms F66I.
Identifiers: ClinVar variation 3432263 (VCV003432263.1).

ClinVar aggregate classification (germline): Uncertain significance (1 of 4 stars; one submission).

Conditions:
Hereditary cancer-predisposing syndrome. Also called: Neoplastic Syndromes, Hereditary; Tumor predisposition; Hereditary Cancer Syndrome; Hereditary neoplastic syndrome. Identifiers: Orphanet 140162, MedGen C0027672, MeSH D009386, MONDO:0015356.

Submission:

Ambry Genetics
Classification: Uncertain significance for Hereditary cancer-predisposing syndrome. Last evaluated: 2024-09-19. Review status: criteria provided, single submitter. Criteria: Ambry Variant Classification Scheme 2023. Collection method: clinical testing. Allele origin: germline.
Comment: The p.F66I variant (also known as c.196T>A), located in coding exon 2 of the RET gene, results from a T to A substitution at nucleotide position 196. The phenylalanine at codon 66 is replaced by isoleucine, an amino acid with highly similar properties. This amino acid position is conserved. In addition, the in silico prediction for this alteration is inconclusive. Based on the available evidence, the clinical significance of this variant remains unclear.